The following is an entry in ClinVar:

ClinVar aggregate classification (germline): Uncertain significance (1 of 4 stars; one submission).

Conditions:
Leukodystrophy, hypomyelinating, 15. Identifiers: MedGen C4693733, MONDO:0054782, OMIM 617951.

gnomAD v4.1: 21 of 1,597,824 alleles (0.0013%); highest among the groups gnomAD compares: Admixed American, 0.005%; no homozygotes.

Submission:

Neuberg Centre For Genomic Medicine, NCGM
Classification: Uncertain significance for Leukodystrophy, hypomyelinating, 15. Last evaluated: 2023-06-22. Review status: criteria provided, single submitter. Criteria: ACMG Guidelines, 2015. Collection method: clinical testing. Allele origin: germline. Inheritance: Autosomal recessive inheritance. Affected: yes.
Comment: The splice region c.1434+5G>A variant in EPRS1 gene has not been reported previously as a pathogenic variant nor as a benign variant, to our knowledge. This variant is present with an allele frequency of 0.002% in gnomAD Exomes. This variant has not been submitted to the ClinVar database. For these reasons, this variant has been classified as Variant of Uncertain Significance (VUS).

NM_004446.3(EPRS1):c.1434+5G>A

Gene: EPRS1 (glutamyl-prolyl-tRNA synthetase 1; minus strand). Cytogenetic location: 1q41.
Variant type: single nucleotide variant.
Coding change: c.1434+5G>A on transcript NM_004446.3 (MANE Select); 5 bases into the intron after coding-DNA position 1434, G replaced by A.
Molecular consequence: intron variant.
Genome position (GRCh38, 1-based): chr1:220,018,990, C>T on the plus strand (G>A on the coding strand, the complement: EPRS1 is on the minus strand). VCF-style: chr1-220018990-C-T. GRCh37 (hg19) VCF-style: chr1-220192332-C-T.
Identifiers: ClinVar variation 3731471 (VCV003731471.1).